The following is an entry in ClinVar:

NM_001372.4(DNAH9):c.682G>T (p.Val228Phe)

Gene: DNAH9 (dynein axonemal heavy chain 9; plus strand). Cytogenetic location: 17p12.
Variant type: single nucleotide variant.
Coding change: c.682G>T on transcript NM_001372.4 (MANE Select); coding-DNA position 682, G replaced by T.
Protein change: p.Val228Phe; replaces valine 228 with phenylalanine.
Molecular consequence: missense variant.
Genome position (GRCh38, 1-based): chr17:11,610,463, G>T. VCF-style: chr17-11610463-G-T. GRCh37 (hg19) VCF-style: chr17-11513780-G-T.
Other names: short protein forms V228F.
Identifiers: ClinVar variation 1478266 (VCV001478266.6), dbSNP rs2072611433, ClinGen allele CA398161436.

ClinVar aggregate classification (germline): Uncertain significance (1 of 4 stars; one submission).

Submission:

Labcorp Genetics (formerly Invitae), Labcorp
Classification: Uncertain significance. Last evaluated: 2023-04-24. Review status: criteria provided, single submitter. Criteria: Invitae Variant Classification Sherloc (09022015). Collection method: clinical testing. Allele origin: germline.
Comment: In summary, the available evidence is currently insufficient to determine the role of this variant in disease. Therefore, it has been classified as a Variant of Uncertain Significance. This sequence change replaces valine, which is neutral and non-polar, with phenylalanine, which is neutral and non-polar, at codon 228 of the DNAH9 protein (p.Val228Phe). This variant is not present in population databases (gnomAD no frequency). This variant has not been reported in the literature in individuals affected with DNAH9-related conditions. ClinVar contains an entry for this variant (Variation ID: 1478266). An algorithm developed to predict the effect of missense changes on protein structure and function (PolyPhen-2) suggests that this variant is likely to be disruptive.